The following is an entry in ClinVar:

ClinVar aggregate classification (germline): Uncertain significance (1 of 4 stars; one submission).

Conditions:
Cardiovascular phenotype. Identifiers: MedGen CN230736.

Submissions (2):

Ambry Genetics
Classification: Uncertain significance for Cardiovascular phenotype. Last evaluated: 2023-11-06. Review status: criteria provided, single submitter. Criteria: Ambry Variant Classification Scheme 2023. Collection method: clinical testing. Allele origin: germline.
Comment: The p.K15Q variant (also known as c.43A>C), located in coding exon 1 of the KCNE1 gene, results from an A to C substitution at nucleotide position 43. The lysine at codon 15 is replaced by glutamine, an amino acid with similar properties. This amino acid position is conserved. In addition, this alteration is predicted to be tolerated by in silico analysis. Since supporting evidence is limited at this time, the clinical significance of this alteration remains unclear.

Roden Lab, Vanderbilt University Medical Center
No classification provided (evidence only). Condition: Long QT syndrome 5. Review status: no classification provided. Collection method: in vitro. Allele origin: not applicable. Functional consequence: Effect on ion channel function. Not counted in ClinVar's aggregate classification.
ClinVar note: "not provided" was previously submitted as the classification for the variant. However, the classification appeared to be based only on an observation of functional data so it was converted to no classification on 2025-07-30.

NM_000219.6(KCNE1):c.43A>C (p.Lys15Gln)

Gene: KCNE1 (potassium voltage-gated channel subfamily E regulatory subunit 1; minus strand). Cytogenetic location: 21q22.12.
Variant type: single nucleotide variant.
Coding change: c.43A>C on transcript NM_000219.6 (MANE Select); coding-DNA position 43, A replaced by C.
Protein change: p.Lys15Gln; replaces lysine 15 with glutamine.
Molecular consequence: missense variant.
Genome position (GRCh38, 1-based): chr21:34,449,592, T>G on the plus strand (A>C on the coding strand, the complement: KCNE1 is on the minus strand). VCF-style: chr21-34449592-T-G. GRCh37 (hg19) VCF-style: chr21-35821890-T-G.
Other names: c.43A>C, p.Lys15Gln (NM_001127668.4, NM_001127669.4, NM_001127670.4 and 4 more transcripts); short protein forms K15Q.
Identifiers: ClinVar variation 3230645 (VCV003230645.3), dbSNP rs2516765058, ClinGen allele CA410198596.